The following is an entry in ClinVar:

NM_001165963.4(SCN1A):c.4409G>A (p.Gly1470Glu)

Genes: SCN1A (sodium voltage-gated channel alpha subunit 1; minus strand), LOC102724058 (uncharacterized LOC102724058; plus strand). Cytogenetic location: 2q24.3.
Variant type: single nucleotide variant.
Coding change: c.4409G>A on transcript NM_001165963.4 (MANE Select); coding-DNA position 4409, G replaced by A.
Protein change: p.Gly1470Glu; replaces glycine 1470 with glutamic acid.
Molecular consequence: missense variant. On other transcripts: non-coding transcript variant (1).
Genome position (GRCh38, 1-based): chr2:165,998,105, C>T on the plus strand (G>A on the coding strand, the complement: SCN1A is on the minus strand). VCF-style: chr2-165998105-C-T. GRCh37 (hg19) VCF-style: chr2-166854615-C-T.
Other names: c.4325G>A, p.Gly1442Glu (NM_001165964.3, NM_001353957.2, NM_001353958.2); c.4409G>A, p.Gly1470Glu (NM_001202435.3, NM_001353948.2); c.4376G>A, p.Gly1459Glu (NM_001353949.2, NM_001353950.2, NM_001353951.2 and 2 more transcripts); c.4373G>A, p.Gly1458Glu (NM_001353954.2, NM_001353955.2); c.4322G>A, p.Gly1441Glu (NM_001353960.2); c.1967G>A, p.Gly656Glu (NM_001353961.2); short protein forms G1470E, G1441E, G1458E, G1459E, G1442E, G656E.
Identifiers: ClinVar variation 648999 (VCV000648999.3), dbSNP rs1573984236, ClinGen allele CA349049357.

ClinVar aggregate classification (germline): Uncertain significance. Review status: criteria provided, multiple submitters, no conflicts (2 of 4 stars). 2 submissions from 2 submitters: Uncertain significance (2). Last evaluated 2020-02-14.

Conditions:
Developmental and epileptic encephalopathy. Identifiers: MedGen C5779964, MONDO:0100620.
Severe myoclonic epilepsy in infancy (DRVT). Also called: SEVERE MYOCLONIC EPILEPSY OF INFANCY; DEVELOPMENTAL AND EPILEPTIC ENCEPHALOPATHY 6A; Severe Myoclonic Epilepsy in Infancy (SMEI); Dravet syndrome; Epileptic encephalopathy, early infantile, 6 (Dravet syndrome). Identifiers: Orphanet 33069, MedGen C0751122, MONDO:0100135, OMIM 607208.

Submissions (2):

Laboratory of Inherited Metabolic Diseases, Research centre for medical genetics
Classification: Uncertain significance for Severe myoclonic epilepsy in infancy. Last evaluated: 2020-02-14. Review status: criteria provided, single submitter. Criteria: ACMG Guidelines, 2015. Collection method: clinical testing. Allele origin: unknown. Inheritance: Autosomal dominant inheritance. Affected: yes.
Comment: found in compound heterozygous with c.3974T>G (p.Val1325Gly)

Labcorp Genetics (formerly Invitae), Labcorp
Classification: Uncertain significance for Early infantile epileptic encephalopathy with suppression bursts. Last evaluated: 2018-11-30. Review status: criteria provided, single submitter. Criteria: Invitae Variant Classification Sherloc (09022015). Collection method: clinical testing. Allele origin: germline.
Comment: This sequence change replaces glycine with glutamic acid at codon 1470 of the SCN1A protein (p.Gly1470Glu). The glycine residue is highly conserved and there is a moderate physicochemical difference between glycine and glutamic acid. This variant is not present in population databases (ExAC no frequency). This variant has not been reported in the literature in individuals with SCN1A-related conditions. Algorithms developed to predict the effect of missense changes on protein structure and function (SIFT, PolyPhen-2, Align-GVGD) all suggest that this variant is likely to be disruptive, but these predictions have not been confirmed by published functional studies and their clinical significance is uncertain. In summary, the available evidence is currently insufficient to determine the role of this variant in disease. Therefore, it has been classified as a Variant of Uncertain Significance.